The following is an entry in ClinVar:

ClinVar aggregate classification (germline): Pathogenic. Review status: criteria provided, multiple submitters, no conflicts (2 of 4 stars). 2 submissions from 2 submitters: Pathogenic (2). Last evaluated 2024-05-13.

Conditions:
Cardiovascular phenotype. Identifiers: MedGen CN230736.
Telangiectasia, hereditary hemorrhagic, type 2 (HHT2). Also called: Telangiectasia, hereditary hemorrhagic, type II; ACVRL1-Related Hereditary Hemorrhagic Telangiectasia. Identifiers: Orphanet 774, MedGen C1838163, MONDO:0010880, OMIM 600376. Disease mechanism: loss of function.

Submissions (2):

Labcorp Genetics (formerly Invitae), Labcorp
Classification: Pathogenic for Telangiectasia, hereditary hemorrhagic, type 2. Last evaluated: 2024-05-13. Review status: criteria provided, single submitter. Criteria: Invitae Variant Classification Sherloc (09022015). Collection method: clinical testing. Allele origin: germline.
Comment: This sequence change creates a premature translational stop signal (p.Glu65Asnfs*57) in the ACVRL1 gene. It is expected to result in an absent or disrupted protein product. Loss-of-function variants in ACVRL1 are known to be pathogenic (PMID: 15879500). This variant is not present in population databases (gnomAD no frequency). This variant has not been reported in the literature in individuals affected with ACVRL1-related conditions. ClinVar contains an entry for this variant (Variation ID: 1407067). For these reasons, this variant has been classified as Pathogenic.

Ambry Genetics
Classification: Pathogenic for Cardiovascular phenotype. Last evaluated: 2021-11-29. Review status: criteria provided, single submitter. Criteria: Ambry Variant Classification Scheme 2023. Collection method: clinical testing. Allele origin: germline.
Comment: The c.193delG pathogenic mutation, located in coding exon 2 of the ACVRL1 gene, results from a deletion of one nucleotide at nucleotide position 193, causing a translational frameshift with a predicted alternate stop codon (p.E65Nfs*57). This variant is considered to be rare based on population cohorts in the Genome Aggregation Database (gnomAD). In addition, this alteration is expected to result in loss of function by premature protein truncation or nonsense-mediated mRNA decay. As such, this alteration is interpreted as a disease-causing mutation.

Literature cited by the submitters: PubMed 15879500 (cited by Labcorp Genetics (formerly Invitae), Labcorp).

NM_000020.3(ACVRL1):c.193del (p.Glu65fs)

Gene: ACVRL1 (activin A receptor like type 1; plus strand). Cytogenetic location: 12q13.13.
Variant type: Deletion.
Coding change: c.193del on transcript NM_000020.3 (MANE Select); coding-DNA position 193, one base deleted (G; older notation c.193delG).
Protein change: p.Glu65fs; shifts the reading frame from glutamic acid 65.
Molecular consequence: frameshift variant.
Genome position (GRCh38, 1-based): chr12:51,913,230, G deleted; the last of 2 consecutive G bases (chr12:51,913,229-51,913,230); deleting either gives the same sequence. VCF-style (leftmost placement, unchanged base first): chr12-51913228-AG-A. GRCh37 (hg19) VCF-style: chr12-52307012-AG-A.
Other names: c.193del, p.Glu65fs (NM_001077401.2); short protein forms E65fs.
Identifiers: ClinVar variation 1407067 (VCV001407067.8), dbSNP rs2139065161, ClinGen allele CA2573148774.
Genomic context (GRCh38, chr12:51,913,228, plus strand): 5'-CTACCTGCCGGGGGGCCTGGTGCACAGTAGTGCTGGTGCGGGAGGAGGGGAGGCACCCCC[AG>A]GAACATCGGGGCTGCGGGAACTTGCACAGGGAGCTCTGCAGGGGGCGCCCCACCGAGTTC-3'